The following is an entry in ClinVar:

ClinVar aggregate classification (germline): Likely benign. Review status: criteria provided, multiple submitters, no conflicts (2 of 4 stars). 2 submissions from 2 submitters: Likely benign (2). Last evaluated 2025-08-18.

Conditions:
Koolen-de Vries syndrome (KDVS). Identifiers: Orphanet 96169, MedGen C1864871, MONDO:0012496, OMIM 610443.

Allele frequency attached by ClinVar (database versions not stated): gnomAD 0.00001; gnomAD exomes 0.00001; TOPMed 0.00001; ExAC 0.00002; ESP Exome Variant Server 0.00008.
gnomAD v4.1: 13 of 1,598,096 alleles (0.00081%); highest among the groups gnomAD compares: Admixed American, 0.0017%; no homozygotes.

Submissions (2):

Labcorp Genetics (formerly Invitae), Labcorp
Classification: Likely benign for Koolen-de Vries syndrome. Last evaluated: 2025-08-18. Review status: criteria provided, single submitter. Criteria: Invitae Variant Classification Sherloc (09022015). Collection method: clinical testing. Allele origin: germline.

GeneDx
Classification: Likely benign. Last evaluated: 2016-07-22. Review status: criteria provided, single submitter. Criteria: GeneDx Variant Classification (06012015). Collection method: clinical testing. Allele origin: germline. Affected: yes.
Comment: This variant is considered likely benign or benign based on one or more of the following criteria: it is a conservative change, it occurs at a poorly conserved position in the protein, it is predicted to be benign by multiple in silico algorithms, and/or has population frequency not consistent with disease.

NM_015443.4(KANSL1):c.2808G>A (p.Thr936=)

Gene: KANSL1 (KAT8 regulatory NSL complex subunit 1). Cytogenetic location: 17q21.31.
Variant type: single nucleotide variant.
Coding change: c.2808G>A on transcript NM_015443.4 (MANE Select); coding-DNA position 2808, G replaced by A.
Protein change: p.Thr936=; no amino-acid change (threonine 936 retained).
Molecular consequence: synonymous variant.
Genome position (GRCh38, 1-based): chr17:46,033,109, C>T on the plus strand (G>A on the coding strand, the complement: KANSL1 is on the minus strand). VCF-style: chr17-46033109-C-T. GRCh37 (hg19) VCF-style: chr17-44110475-C-T.
Other names: c.2805G>A, p.Thr935= (NM_001193465.2); c.2808G>A, p.Thr936= (NM_001193466.2, NM_001379198.1).
Identifiers: ClinVar variation 388041 (VCV000388041.11), dbSNP rs372559911, ClinGen allele CA8618444.